The following is an entry in ClinVar:

NM_000179.3(MSH6):c.3166G>A (p.Val1056Met)

Gene: MSH6 (mutS homolog 6; plus strand). Cytogenetic location: 2p16.3.
Variant type: single nucleotide variant.
Coding change: c.3166G>A on transcript NM_000179.3 (MANE Select); coding-DNA position 3166, G replaced by A.
Protein change: p.Val1056Met; replaces valine 1056 with methionine.
Molecular consequence: missense variant. On other transcripts: non-coding transcript variant (5), intron variant (2).
Genome position (GRCh38, 1-based): chr2:47,801,149, G>A. VCF-style: chr2-47801149-G-A. GRCh37 (hg19) VCF-style: chr2-48028288-G-A.
Other names: c.2776G>A, p.Val926Met (NM_001281492.2); c.2260G>A, p.Val754Met (NM_001281493.2, NM_001281494.2, NM_001406811.1 and 6 more transcripts); c.3262G>A, p.Val1088Met (NM_001406795.1, NM_001406802.1); c.3166G>A, p.Val1056Met (NM_001406796.1, NM_001406798.1, NM_001406800.1 and 2 more transcripts); c.2869G>A, p.Val957Met (NM_001406797.1, NM_001406801.1, NM_001406805.1 and 10 more transcripts); c.2641G>A, p.Val881Met (NM_001406799.1, NM_001406806.1, NM_001406807.1); c.3088G>A, p.Val1030Met (NM_001406804.1); c.3172G>A, p.Val1058Met (NM_001406813.1); and 4 more; short protein forms V1000M, V1030M, V1056M, V1058M, V1088M, V371M, V754M, V881M.
Identifiers: ClinVar variation 3230545 (VCV003230545.1), dbSNP rs952911807, ClinGen allele CA346756739.

ClinVar aggregate classification (germline): Uncertain significance (1 of 4 stars; one submission).

Conditions:
Hereditary cancer-predisposing syndrome. Also called: Neoplastic Syndromes, Hereditary; Tumor predisposition; Hereditary neoplastic syndrome; Hereditary Cancer Syndrome. Identifiers: Orphanet 140162, MedGen C0027672, MeSH D009386, MONDO:0015356.

Submission:

Ambry Genetics
Classification: Uncertain significance for Hereditary cancer-predisposing syndrome. Last evaluated: 2024-02-15. Review status: criteria provided, single submitter. Criteria: Ambry Variant Classification Scheme 2023. Collection method: clinical testing. Allele origin: germline.
Comment: The p.V1056M variant (also known as c.3166G>A), located in coding exon 4 of the MSH6 gene, results from a G to A substitution at nucleotide position 3166. The valine at codon 1056 is replaced by methionine, an amino acid with highly similar properties. This amino acid position is highly conserved in available vertebrate species. In addition, this alteration is predicted to be deleterious by in silico analysis. Based on the available evidence, the clinical significance of this alteration remains unclear.